The following is an entry in ClinVar:

ClinVar aggregate classification (germline): Likely benign. Review status: reviewed by expert panel (3 of 4 stars). 2 submissions from 2 submitters: Likely benign (1). 1 of the submissions does not count toward it. Last evaluated 2025-01-15.

Conditions:
Hereditary thrombocytopenia and hematologic cancer predisposition syndrome. Identifiers: Orphanet 71290, MedGen CN281654, MONDO:0011071.
Hereditary thrombocytopenia and hematological cancer predisposition syndrome associated with RUNX1. Also called: PLATELET DISORDER, ASPIRIN-LIKE; RUNX1 Familial Platelet Disorder with Associated Myeloid Malignancies; Familial Platelet Disorder with Propensity to Acute Myelogenous Leukemia; Familial thrombocytopenia with propensity to acute myelogenous leukemia. Identifiers: Orphanet 71290, MedGen C1832388, MeSH C563324, MONDO:0100083, OMIM 601399.

Allele frequency attached by ClinVar (database versions not stated): TOPMed 0.00006; gnomAD 0.00009 and 0.00010; 1000 Genomes Project 0.00020; 1000 Genomes Project 30x 0.00031; gnomAD exomes 0.00036.
gnomAD v4.1: 42 of 233,104 alleles (0.018%); highest among the groups gnomAD compares: Non-Finnish European, 0.033%; no homozygotes.

Submissions (2):

ClinGen Myeloid Malignancy Variant Curation Expert Panel
Classification: Likely benign for Hereditary thrombocytopenia and hematologic cancer predisposition syndrome. Last evaluated: 2025-01-15. Review status: reviewed by expert panel. Criteria: ClinGen MyeloMalig ACMG Specifications v2. Collection method: curation. Allele origin: germline. Inheritance: Autosomal dominant inheritance.
Comment: NM_001754.5(RUNX1):c.*2376G>A is a UTR variant which has a MAF of 0.0001765 (0.01765%, 12/67992, 12 alleles) in the European (non-Finnish) subpopulation of the gnomAD v3.1.2 cohort is between 0.00015 (0.015%) and 0.0015 (0.15%) (BS1). In summary, this variant meets criteria to be classified as likely benign. ACMG/AMP criteria applied, as specified by the Myeloid Malignancy Variant Curation Expert Panel for RUNX1: BS1.

Illumina Laboratory Services, Illumina
Classification: Uncertain significance for Hereditary thrombocytopenia and hematological cancer predisposition syndrome associated with RUNX1. Last evaluated: 2018-01-13. Review status: criteria provided, single submitter. Criteria: ICSL Variant Classification Criteria 13 December 2019. Collection method: clinical testing. Allele origin: germline. Not counted in ClinVar's aggregate classification.

NM_001754.5(RUNX1):c.*2376G>A

Gene: RUNX1 (RUNX family transcription factor 1; minus strand). Cytogenetic location: 21q22.12.
Variant type: single nucleotide variant.
Coding change: c.*2376G>A on transcript NM_001754.5 (MANE Select); 2376 bases downstream of the stop codon, G replaced by A.
Molecular consequence: 3 prime UTR variant.
Genome position (GRCh38, 1-based): chr21:34,789,759, C>T on the plus strand (G>A on the coding strand, the complement: RUNX1 is on the minus strand). VCF-style: chr21-34789759-C-T. GRCh37 (hg19) VCF-style: chr21-36162056-C-T.
Other names: c.*2376G>A (NM_001001890.3).
Identifiers: ClinVar variation 896041 (VCV000896041.5), dbSNP rs572680643, ClinGen allele CA320249584.